The following is an entry in ClinVar:

ClinVar aggregate classification (germline): Uncertain significance (1 of 4 stars; one submission).

Allele frequency attached by ClinVar (database versions not stated): gnomAD exomes below 0.00001.
gnomAD v4.1: 2 of 1,614,030 alleles (0.00012%); highest among the groups gnomAD compares: Non-Finnish European, 0.00017%; no homozygotes.

Submission:

Labcorp Genetics (formerly Invitae), Labcorp
Classification: Uncertain significance. Last evaluated: 2026-02-02. Review status: criteria provided, single submitter. Criteria: Invitae Variant Classification Sherloc (09022015). Collection method: clinical testing. Allele origin: germline.
Comment: This sequence change replaces glutamine, which is neutral and polar, with histidine, which is basic and polar, at codon 416 of the CLCN6 protein (p.Gln416His). This variant also falls at the last nucleotide of exon 13, which is part of the consensus splice site for this exon. This variant is present in population databases (no rsID available, gnomAD 0.0009%). This variant has not been reported in the literature in individuals affected with CLCN6-related conditions. ClinVar contains an entry for this variant (Variation ID: 1491052). An algorithm developed to predict the effect of missense changes on protein structure and function (PolyPhen-2) suggests that this variant is likely to be disruptive. Variants that disrupt the consensus splice site are a relatively common cause of aberrant splicing (PMID: 17576681, 9536098). Algorithms developed to predict the effect of sequence changes on RNA splicing suggest that this variant may disrupt the consensus splice site. In summary, the available evidence is currently insufficient to determine the role of this variant in disease. Therefore, it has been classified as a Variant of Uncertain Significance.

Literature cited by the submitters: PubMed 17576681; PubMed 9536098.

NM_001286.5(CLCN6):c.1248G>C (p.Gln416His)

Gene: CLCN6 (chloride voltage-gated channel 6; plus strand). Cytogenetic location: 1p36.22.
Variant type: single nucleotide variant.
Coding change: c.1248G>C on transcript NM_001286.5 (MANE Select); coding-DNA position 1248, G replaced by C.
Protein change: p.Gln416His; replaces glutamine 416 with histidine.
Molecular consequence: missense variant. On other transcripts: non-coding transcript variant (1).
Genome position (GRCh38, 1-based): chr1:11,829,322, G>C. VCF-style: chr1-11829322-G-C. GRCh37 (hg19) VCF-style: chr1-11889379-G-C.
Other names: c.1182G>C, p.Gln394His (NM_001256959.2); short protein forms Q394H, Q416H.
Identifiers: ClinVar variation 1491052 (VCV001491052.8), dbSNP rs1159443580, ClinGen allele CA338432296.